The following is an entry in ClinVar:

NM_017802.4(DNAAF5):c.1771G>A (p.Val591Ile)

Gene: DNAAF5 (dynein axonemal assembly factor 5; plus strand). Cytogenetic location: 7p22.3.
Variant type: single nucleotide variant.
Coding change: c.1771G>A on transcript NM_017802.4 (MANE Select); coding-DNA position 1771, G replaced by A.
Protein change: p.Val591Ile; replaces valine 591 with isoleucine.
Molecular consequence: missense variant. On other transcripts: non-coding transcript variant (1).
Genome position (GRCh38, 1-based): chr7:763,962, G>A. VCF-style: chr7-763962-G-A. GRCh37 (hg19) VCF-style: chr7-803599-G-A.
Other names: short protein forms V591I.
Identifiers: ClinVar variation 1365857 (VCV001365857.8), dbSNP rs754002298, ClinGen allele CA4110846.

ClinVar aggregate classification (germline): Uncertain significance (1 of 4 stars; one submission).

Conditions:
Primary ciliary dyskinesia. Also called: Ciliary dyskinesia. Identifiers: Orphanet 244, MedGen C0008780, MONDO:0016575, HP:0012265.

Allele frequency attached by ClinVar (database versions not stated): gnomAD 0.00001; gnomAD exomes 0.00001 and 0.00005; TOPMed 0.00001; ExAC 0.00002.
gnomAD v4.1: 72 of 1,604,038 alleles (0.0045%); highest among the groups gnomAD compares: Non-Finnish European, 0.0056%; no homozygotes.

Submission:

Labcorp Genetics (formerly Invitae), Labcorp
Classification: Uncertain significance for Primary ciliary dyskinesia. Last evaluated: 2023-11-28. Review status: criteria provided, single submitter. Criteria: Invitae Variant Classification Sherloc (09022015). Collection method: clinical testing. Allele origin: germline.
Comment: This sequence change replaces valine, which is neutral and non-polar, with isoleucine, which is neutral and non-polar, at codon 591 of the DNAAF5 protein (p.Val591Ile). This variant is present in population databases (rs754002298, gnomAD 0.003%). This variant has not been reported in the literature in individuals affected with DNAAF5-related conditions. ClinVar contains an entry for this variant (Variation ID: 1365857). Advanced modeling of protein sequence and biophysical properties (such as structural, functional, and spatial information, amino acid conservation, physicochemical variation, residue mobility, and thermodynamic stability) performed at Invitae indicates that this missense variant is not expected to disrupt DNAAF5 protein function with a negative predictive value of 80%. In summary, the available evidence is currently insufficient to determine the role of this variant in disease. Therefore, it has been classified as a Variant of Uncertain Significance.